The following is an entry in ClinVar:

NM_182760.4(SUMF1):c.49G>A (p.Gly17Ser)

Gene: SUMF1 (sulfatase modifying factor 1; minus strand). Cytogenetic location: 3p26.1.
Variant type: single nucleotide variant.
Coding change: c.49G>A on transcript NM_182760.4 (MANE Select); coding-DNA position 49, G replaced by A.
Protein change: p.Gly17Ser; replaces glycine 17 with serine.
Molecular consequence: missense variant.
Genome position (GRCh38, 1-based): chr3:4,467,197, C>T on the plus strand (G>A on the coding strand, the complement: SUMF1 is on the minus strand). VCF-style: chr3-4467197-C-T. GRCh37 (hg19) VCF-style: chr3-4508881-C-T.
Other names: c.49G>A, p.Gly17Ser (NM_001164674.2, NM_001164675.2); short protein forms G17S.
Identifiers: ClinVar variation 2198670 (VCV002198670.1), dbSNP rs2079979067, ClinGen allele CA351794663.

ClinVar aggregate classification (germline): Uncertain significance (1 of 4 stars; one submission).

Conditions:
Multiple sulfatase deficiency (MSD). Also called: Multiple Sulfatase Deficiency Disease; Sulfatidosis, Juvenile, Austin Type; Mucosulfatidosis. Identifiers: Orphanet 585, MedGen C0268263, MONDO:0010088, OMIM 272200.

Allele frequency attached by ClinVar (database versions not stated): TOPMed below 0.00001; gnomAD 0.00002.
gnomAD v4.1: 4 of 1,611,164 alleles (0.00025%); highest among the groups gnomAD compares: African/African-American, 0.0013%; no homozygotes.

Submission:

Labcorp Genetics (formerly Invitae), Labcorp
Classification: Uncertain significance for Multiple sulfatase deficiency. Last evaluated: 2022-03-31. Review status: criteria provided, single submitter. Criteria: Invitae Variant Classification Sherloc (09022015). Collection method: clinical testing. Allele origin: germline.
Comment: This sequence change replaces glycine, which is neutral and non-polar, with serine, which is neutral and polar, at codon 17 of the SUMF1 protein (p.Gly17Ser). This variant is not present in population databases (gnomAD no frequency). This variant has not been reported in the literature in individuals affected with SUMF1-related conditions. Algorithms developed to predict the effect of missense changes on protein structure and function (SIFT, PolyPhen-2, Align-GVGD) all suggest that this variant is likely to be tolerated. In summary, the available evidence is currently insufficient to determine the role of this variant in disease. Therefore, it has been classified as a Variant of Uncertain Significance.